The following is an entry in ClinVar:

ClinVar aggregate classification (germline): Uncertain significance (1 of 4 stars; one submission).

Conditions:
Inborn genetic diseases. Identifiers: MedGen C0950123, MeSH D030342.

gnomAD v4.1: 4 of 1,613,602 alleles (0.00025%); highest among the groups gnomAD compares: African/African-American, 0.0013%; no homozygotes.

Submission:

Ambry Genetics
Classification: Uncertain significance for Inborn genetic diseases. Last evaluated: 2025-05-01. Review status: criteria provided, single submitter. Criteria: Ambry Variant Classification Scheme 2023. Collection method: clinical testing. Allele origin: germline.
Comment: The p.P1441T variant (also known as c.4321C>A), located in coding exon 1 of the SAMD9 gene, results from a C to A substitution at nucleotide position 4321. The proline at codon 1441 is replaced by threonine, an amino acid with highly similar properties. This amino acid position is conserved. In addition, this alteration is predicted to be tolerated by in silico analysis. Based on the available evidence, the clinical significance of this variant remains unclear.

NM_017654.4(SAMD9):c.4321C>A (p.Pro1441Thr)

Gene: SAMD9 (sterile alpha motif domain containing 9; minus strand). Cytogenetic location: 7q21.2.
Variant type: single nucleotide variant.
Coding change: c.4321C>A on transcript NM_017654.4 (MANE Select); coding-DNA position 4321, C replaced by A.
Protein change: p.Pro1441Thr; replaces proline 1441 with threonine.
Molecular consequence: missense variant.
Genome position (GRCh38, 1-based): chr7:93,101,777, G>T on the plus strand (C>A on the coding strand, the complement: SAMD9 is on the minus strand). VCF-style: chr7-93101777-G-T. GRCh37 (hg19) VCF-style: chr7-92731090-G-T.
Other names: c.4321C>A, p.Pro1441Thr (NM_001193307.2); short protein forms P1441T.
Identifiers: ClinVar variation 3949599 (VCV003949599.1).
Genomic context (GRCh38, chr7:93,101,777, plus strand): 5'-TTAGTGCTTGAGCATACTCTTTCATTTGTTCAGAATGTTGATCTAGTTGTTGATTTTCTG[G>T]CCAGAATAAGAGGGAAGCTAGAAAATACGGTTCTGAAAACTGATAAGTCAGTCCTATTGG-3'
Protein context (NP_060124.2, residues 1431-1451): PYFLASLLFW[Pro1441Thr]ENQQLDQHSE